The following is an entry in ClinVar:

ClinVar aggregate classification (germline): Likely benign. Review status: criteria provided, single submitter (1 of 4 stars). 2 submissions from 2 submitters: Likely benign (1). 1 of the submissions does not count toward it. Last evaluated 2023-03-10.

Conditions:
PKD1L1-related disorder. Also called: PKD1L1-related condition.

Allele frequency attached by ClinVar (database versions not stated): ExAC 0.00009; ESP Exome Variant Server 0.00015; 1000 Genomes Project 30x 0.00016; 1000 Genomes Project 0.00020; TOPMed 0.00020; gnomAD 0.00021; gnomAD exomes 0.00031.
gnomAD v4.1: 477 of 1,613,594 alleles (0.03%); highest among the groups gnomAD compares: Non-Finnish European, 0.038%; no homozygotes.

Submissions (2):

Labcorp Genetics (formerly Invitae), Labcorp
Classification: Likely benign. Last evaluated: 2023-03-10. Review status: criteria provided, single submitter. Criteria: Invitae Variant Classification Sherloc (09022015). Collection method: clinical testing. Allele origin: germline.

PreventionGenetics, part of Exact Sciences
Classification: Likely benign for PKD1L1-related condition. Last evaluated: 2022-09-30. Review status: no assertion criteria provided. Collection method: clinical testing. Allele origin: germline. Not counted in ClinVar's aggregate classification.
Comment: This variant is classified as likely benign based on ACMG/AMP sequence variant interpretation guidelines (Richards et al. 2015 PMID: 25741868, with internal and published modifications).

NM_138295.5(PKD1L1):c.5770-8C>T

Gene: PKD1L1 (polycystin 1 like 1, transient receptor potential channel interacting; minus strand). Cytogenetic location: 7p12.3.
Variant type: single nucleotide variant.
Coding change: c.5770-8C>T on transcript NM_138295.5 (MANE Select); 8 bases into the intron before coding-DNA position 5770, C replaced by T.
Molecular consequence: intron variant.
Genome position (GRCh38, 1-based): chr7:47,837,102, G>A on the plus strand (C>T on the coding strand, the complement: PKD1L1 is on the minus strand). VCF-style: chr7-47837102-G-A. GRCh37 (hg19) VCF-style: chr7-47876700-G-A.
Other names: c.5770-8C>T (NM_138295.3).
Identifiers: ClinVar variation 2763514 (VCV002763514.5), dbSNP rs201672895, ClinGen allele CA4252730.